The following is an entry in ClinVar:

NM_001278716.2(FBXL4):c.1510T>C (p.Cys504Arg)

Gene: FBXL4 (F-box and leucine rich repeat protein 4; minus strand). Cytogenetic location: 6q16.1.
Variant type: single nucleotide variant.
Coding change: c.1510T>C on transcript NM_001278716.2 (MANE Select); coding-DNA position 1510, T replaced by C.
Protein change: p.Cys504Arg; replaces cysteine 504 with arginine.
Molecular consequence: missense variant. On other transcripts: non-coding transcript variant (1).
Genome position (GRCh38, 1-based): chr6:98,875,607, A>G on the plus strand (T>C on the coding strand, the complement: FBXL4 is on the minus strand). VCF-style: chr6-98875607-A-G. GRCh37 (hg19) VCF-style: chr6-99323483-A-G.
Other names: c.1510T>C, p.Cys504Arg (NM_012160.5); short protein forms C504R.
Identifiers: ClinVar variation 3375077 (VCV003375077.1).
Genomic context (GRCh38, chr6:98,875,607, plus strand): 5'-ACCCGGTGCTGCTCTGCAGAGTTGGGCACCAGCCAAGGTCAAGCTCCTCCAGTAGTGGAC[A>G]CCCAGAAGCCAGTTCTGCTATTCCATTCTCAGTAATATTCTTACATCTCCACAGATCCAG-3'
Protein context (NP_001265645.1, residues 494-514): ENGIAELASG[Cys504Arg]PLLEELDLGW

ClinVar aggregate classification (germline): Uncertain significance (1 of 4 stars; one submission).

Submission:

Women's Health and Genetics/Laboratory Corporation of America, LabCorp
Classification: Uncertain significance. Last evaluated: 2024-09-04. Review status: criteria provided, single submitter. Criteria: LabCorp Variant Classification Summary - May 2015. Collection method: clinical testing. Allele origin: germline.
Comment: Variant summary: FBXL4 c.1510T>C (p.Cys504Arg) results in a non-conservative amino acid change in the encoded protein sequence. Four of five in-silico tools predict a damaging effect of the variant on protein function. The variant was absent in 250910 control chromosomes. The available data on variant occurrences in the general population are insufficient to allow any conclusion about variant significance. c.1510T>C has been reported in the literature in the compound heterozygous state in at least one individual with clinical features of Leigh Syndrome. These data do not allow any conclusion about variant significance. To our knowledge, no experimental evidence demonstrating an impact on protein function has been reported. The following publication have been ascertained in the context of this evaluation (PMID: 34440436). No submitters have cited clinical-significance assessments for this variant to ClinVar. Based on the evidence outlined above, the variant was classified as uncertain significance.

Literature cited by the submitters: PubMed 34440436.